The following is an entry in ClinVar:

NM_000553.6(WRN):c.1414G>C (p.Glu472Gln)

Gene: WRN (WRN RecQ like helicase; plus strand). Cytogenetic location: 8p12.
Variant type: single nucleotide variant.
Coding change: c.1414G>C on transcript NM_000553.6 (MANE Select); coding-DNA position 1414, G replaced by C.
Protein change: p.Glu472Gln; replaces glutamic acid 472 with glutamine.
Molecular consequence: missense variant.
Genome position (GRCh38, 1-based): chr8:31,085,229, G>C. VCF-style: chr8-31085229-G-C. GRCh37 (hg19) VCF-style: chr8-30942745-G-C.
Other names: short protein forms E472Q.
Identifiers: ClinVar variation 1513315 (VCV001513315.6), dbSNP rs2130140682, ClinGen allele CA370923871.
Genomic context (GRCh38, chr8:31,085,229, plus strand): 5'-TTATCTCCCAATGATAATGAAAACGATACGTCCTATGTAATTGAGAGTGATGAAGATTTA[G>C]AAATGGAGATGCTTAAGGTATGTTTACAATTATAAAAACATTACTTCAAGTTCTTTCCAA-3'
Protein context (NP_000544.2, residues 462-482): SYVIESDEDL[Glu472Gln]MEMLKSLENL

ClinVar aggregate classification (germline): Uncertain significance (1 of 4 stars; one submission).

Conditions:
Werner syndrome (WRN). Identifiers: Orphanet 902, MedGen C0043119, MONDO:0010196, OMIM 277700.

Submission:

Labcorp Genetics (formerly Invitae), Labcorp
Classification: Uncertain significance for Werner syndrome. Last evaluated: 2022-09-01. Review status: criteria provided, single submitter. Criteria: Invitae Variant Classification Sherloc (09022015). Collection method: clinical testing. Allele origin: germline.
Comment: This variant has not been reported in the literature in individuals affected with WRN-related conditions. This variant is not present in population databases (gnomAD no frequency). This sequence change replaces glutamic acid, which is acidic and polar, with glutamine, which is neutral and polar, at codon 472 of the WRN protein (p.Glu472Gln). ClinVar contains an entry for this variant (Variation ID: 1513315). In summary, the available evidence is currently insufficient to determine the role of this variant in disease. Therefore, it has been classified as a Variant of Uncertain Significance. Algorithms developed to predict the effect of missense changes on protein structure and function are either unavailable or do not agree on the potential impact of this missense change (SIFT: "Not Available"; PolyPhen-2: "Probably Damaging"; Align-GVGD: "Not Available").